The following is an entry in ClinVar:

NM_006662.3(SRCAP):c.5928C>A (p.Phe1976Leu)

Gene: SRCAP (Snf2 related CREBBP activator protein; plus strand). Cytogenetic location: 16p11.2.
Variant type: single nucleotide variant.
Coding change: c.5928C>A on transcript NM_006662.3 (MANE Select); coding-DNA position 5928, C replaced by A.
Protein change: p.Phe1976Leu; replaces phenylalanine 1976 with leucine.
Molecular consequence: missense variant.
Genome position (GRCh38, 1-based): chr16:30,729,373, C>A. VCF-style: chr16-30729373-C-A. GRCh37 (hg19) VCF-style: chr16-30740694-C-A.
Other names: short protein forms F1976L.
Identifiers: ClinVar variation 5016873 (VCV005016873.1).

ClinVar aggregate classification (germline): Uncertain significance (1 of 4 stars; one submission).

Submission:

GeneDx
Classification: Uncertain significance. Last evaluated: 2026-03-29. Review status: criteria provided, single submitter. Criteria: GeneDx Variant Classification Process June 2021. Collection method: clinical testing. Allele origin: germline.
Comment: Not observed at significant frequency in large population cohorts (gnomAD); In silico analysis supports that this missense variant has a deleterious effect on protein structure/function; Has not been previously published as pathogenic or benign to our knowledge